The following is an entry in ClinVar:

NM_016562.4(TLR7):c.529C>T (p.Leu177Phe)

Gene: TLR7 (toll like receptor 7; plus strand). Cytogenetic location: Xp22.2.
Variant type: single nucleotide variant.
Coding change: c.529C>T on transcript NM_016562.4 (MANE Select); coding-DNA position 529, C replaced by T.
Protein change: p.Leu177Phe; replaces leucine 177 with phenylalanine.
Molecular consequence: missense variant.
Genome position (GRCh38, 1-based): chrX:12,886,037, C>T. VCF-style: chrX-12886037-C-T. GRCh37 (hg19) VCF-style: chrX-12904156-C-T.
Other names: short protein forms L177F.
Identifiers: ClinVar variation 2231935 (VCV002231935.3), dbSNP rs1320032380, ClinGen allele CA412405032.

ClinVar aggregate classification (germline): Uncertain significance. Review status: criteria provided, multiple submitters, no conflicts (2 of 4 stars). 2 submissions from 2 submitters: Uncertain significance (2). Last evaluated 2025-03-16.

Submissions (2):

Labcorp Genetics (formerly Invitae), Labcorp
Classification: Uncertain significance. Last evaluated: 2025-03-16. Review status: criteria provided, single submitter. Criteria: Invitae Variant Classification Sherloc (09022015). Collection method: clinical testing. Allele origin: germline.
Comment: This sequence change replaces leucine, which is neutral and non-polar, with phenylalanine, which is neutral and non-polar, at codon 177 of the TLR7 protein (p.Leu177Phe). This variant is present in population databases (no rsID available, gnomAD 0.03%). This variant has not been reported in the literature in individuals affected with TLR7-related conditions. ClinVar contains an entry for this variant (Variation ID: 2231935). An algorithm developed to predict the effect of missense changes on protein structure and function (PolyPhen-2) suggests that this variant is likely to be disruptive. In summary, the available evidence is currently insufficient to determine the role of this variant in disease. Therefore, it has been classified as a Variant of Uncertain Significance.

Ambry Genetics
Classification: Uncertain significance. Last evaluated: 2022-07-29. Review status: criteria provided, single submitter. Criteria: Ambry Variant Classification Scheme 2023. Collection method: clinical testing. Allele origin: germline.